The following is an entry in ClinVar:

NM_006918.5(SC5D):c.*2986C>T

Gene: SC5D (sterol-C5-desaturase; plus strand). Cytogenetic location: 11q24.1.
Variant type: single nucleotide variant.
Coding change: c.*2986C>T on transcript NM_006918.5 (MANE Select); 2986 bases downstream of the stop codon, C replaced by T.
Molecular consequence: 3 prime UTR variant.
Genome position (GRCh38, 1-based): chr11:121,310,498, C>T. VCF-style: chr11-121310498-C-T. GRCh37 (hg19) VCF-style: chr11-121181207-C-T.
Other names: c.*2986C>T (NM_001024956.3).
Identifiers: ClinVar variation 303088 (VCV000303088.5), dbSNP rs141633273, ClinGen allele CA10630170.
Genomic context (GRCh38, chr11:121,310,498, plus strand): 5'-CCTTCTGTCTCCTGTCCCTTTTTTTTTTTTTTTTTTTGAGATGGAGTCTTGCTCTGTTGC[C>T]CCAGGCTGGAGTGCAGTGGCGTGATCTTGGTTCACTGCAAGCTCCACCTCCCGGGTTCAC-3'

ClinVar aggregate classification (germline): Benign (1 of 4 stars; one submission).

Conditions:
Lathosterolosis. Also called: SC5D DEFICIENCY; STEROL C5-DESATURASE DEFICIENCY. Identifiers: Orphanet 46059, MedGen C1846421, MONDO:0011816, OMIM 607330.

Allele frequency attached by ClinVar (database versions not stated): gnomAD 0.06779 and 0.06860; TOPMed 0.07289; 1000 Genomes Project 0.07508; 1000 Genomes Project 30x 0.07730.
gnomAD v4.1: 10,225 of 148,818 alleles (6.9%); highest among the groups gnomAD compares: East Asian, 8.7%; 364 homozygotes.

Submission:

Illumina Laboratory Services, Illumina
Classification: Benign for Lathosterolosis. Last evaluated: 2018-01-13. Review status: criteria provided, single submitter. Criteria: ICSL Variant Classification Criteria 13 December 2019. Collection method: clinical testing. Allele origin: germline.
Comment: This variant was observed in the ICSL laboratory as part of a predisposition screen in an ostensibly healthy population. It had not been previously curated by ICSL or reported in the Human Gene Mutation Database (HGMD: prior to June 1st, 2018), and was therefore a candidate for classification through an automated scoring system. Utilizing variant allele frequency, disease prevalence and penetrance estimates, and inheritance mode, an automated score was calculated to assess if this variant is too frequent to cause the disease. Based on the score and internal cut-off values, a variant classified as benign is not then subjected to further curation. The score for this variant resulted in a classification of benign for this disease.